The following is an entry in ClinVar:

ClinVar aggregate classification (germline): Uncertain significance (1 of 4 stars; one submission).

Conditions:
Mowat-Wilson syndrome (MOWS). Also called: Classic Mowat-Wilson Syndrome. Identifiers: Orphanet 2152, MedGen C1856113, MONDO:0009341, OMIM 235730.

Submission:

Labcorp Genetics (formerly Invitae), Labcorp
Classification: Uncertain significance for Mowat-Wilson syndrome. Last evaluated: 2024-12-03. Review status: criteria provided, single submitter. Criteria: Invitae Variant Classification Sherloc (09022015). Collection method: clinical testing. Allele origin: germline.
Comment: This sequence change replaces methionine, which is neutral and non-polar, with isoleucine, which is neutral and non-polar, at codon 824 of the ZEB2 protein (p.Met824Ile). This variant is not present in population databases (gnomAD no frequency). This variant has not been reported in the literature in individuals affected with ZEB2-related conditions. ClinVar contains an entry for this variant (Variation ID: 1994785). Invitae Evidence Modeling of protein sequence and biophysical properties (such as structural, functional, and spatial information, amino acid conservation, physicochemical variation, residue mobility, and thermodynamic stability) indicates that this missense variant is not expected to disrupt ZEB2 protein function with a negative predictive value of 80%. In summary, the available evidence is currently insufficient to determine the role of this variant in disease. Therefore, it has been classified as a Variant of Uncertain Significance.

NM_014795.4(ZEB2):c.2472G>A (p.Met824Ile)

Gene: ZEB2 (zinc finger E-box binding homeobox 2; minus strand). Cytogenetic location: 2q22.3.
Variant type: single nucleotide variant.
Coding change: c.2472G>A on transcript NM_014795.4 (MANE Select); coding-DNA position 2472, G replaced by A.
Protein change: p.Met824Ile; replaces methionine 824 with isoleucine.
Molecular consequence: missense variant.
Genome position (GRCh38, 1-based): chr2:144,398,715, C>T on the plus strand (G>A on the coding strand, the complement: ZEB2 is on the minus strand). VCF-style: chr2-144398715-C-T. GRCh37 (hg19) VCF-style: chr2-145156282-C-T.
Other names: c.2400G>A, p.Met800Ile (NM_001171653.2); short protein forms M800I, M824I.
Identifiers: ClinVar variation 1994785 (VCV001994785.4), dbSNP rs2549105948, ClinGen allele CA348708206.